The following is an entry in ClinVar:

NM_015294.6(TRIM37):c.1995G>A (p.Met665Ile)

Gene: TRIM37 (tripartite motif containing 37; minus strand). Cytogenetic location: 17q22.
Variant type: single nucleotide variant.
Coding change: c.1995G>A on transcript NM_015294.6 (MANE Select); coding-DNA position 1995, G replaced by A.
Protein change: p.Met665Ile; replaces methionine 665 with isoleucine.
Molecular consequence: missense variant. On other transcripts: non-coding transcript variant (2).
Genome position (GRCh38, 1-based): chr17:59,028,677, C>T on the plus strand (G>A on the coding strand, the complement: TRIM37 is on the minus strand). VCF-style: chr17-59028677-C-T. GRCh37 (hg19) VCF-style: chr17-57106038-C-T.
Other names: c.1944G>A, p.Met648Ile (NM_001353086.2); c.1995G>A, p.Met665Ile (NM_001005207.5, NM_001320988.3, NM_001320989.3 and 1 more transcripts); c.1893G>A, p.Met631Ile (NM_001320987.3, NM_001353082.2); c.1629G>A, p.Met543Ile (NM_001320990.3); c.1260G>A, p.Met420Ile (NM_001353083.2); c.1533G>A, p.Met511Ile (NM_001353085.2); c.1995G>A (NM_015294.3); short protein forms M543I, M648I, M420I, M631I, M665I, M511I.
Identifiers: ClinVar variation 1408167 (VCV001408167.4), dbSNP rs769715704, ClinGen allele CA8678154.

ClinVar aggregate classification (germline): Uncertain significance. Review status: criteria provided, multiple submitters, no conflicts (2 of 4 stars). 2 submissions from 2 submitters: Uncertain significance (2). Last evaluated 2025-08-21.

Conditions:
Inborn genetic diseases. Identifiers: MedGen C0950123, MeSH D030342.

Allele frequency attached by ClinVar (database versions not stated): gnomAD exomes below 0.00001; ExAC 0.00001; gnomAD 0.00002; TOPMed 0.00002.

Submissions (2):

Ambry Genetics
Classification: Uncertain significance for Inborn genetic diseases. Last evaluated: 2025-08-21. Review status: criteria provided, single submitter. Criteria: Ambry Variant Classification Scheme 2023. Collection method: clinical testing. Allele origin: germline.

Labcorp Genetics (formerly Invitae), Labcorp
Classification: Uncertain significance. Last evaluated: 2021-11-16. Review status: criteria provided, single submitter. Criteria: Invitae Variant Classification Sherloc (09022015). Collection method: clinical testing. Allele origin: germline.
Comment: This sequence change replaces methionine, which is neutral and non-polar, with isoleucine, which is neutral and non-polar, at codon 665 of the TRIM37 protein (p.Met665Ile). This variant is present in population databases (rs769715704, gnomAD 0.007%). This variant has not been reported in the literature in individuals affected with TRIM37-related conditions. Algorithms developed to predict the effect of missense changes on protein structure and function are either unavailable or do not agree on the potential impact of this missense change (SIFT: "Not Available"; PolyPhen-2: "Benign"; Align-GVGD: "Not Available"). In summary, the available evidence is currently insufficient to determine the role of this variant in disease. Therefore, it has been classified as a Variant of Uncertain Significance.